The following is an entry in ClinVar:

NM_000875.5(IGF1R):c.2607C>T (p.Tyr869=)

Gene: IGF1R (insulin like growth factor 1 receptor; plus strand). Cytogenetic location: 15q26.3.
Variant type: single nucleotide variant.
Coding change: c.2607C>T on transcript NM_000875.5 (MANE Select); coding-DNA position 2607, C replaced by T.
Protein change: p.Tyr869=; no amino-acid change (tyrosine 869 retained).
Molecular consequence: synonymous variant.
Genome position (GRCh38, 1-based): chr15:98,923,997, C>T. VCF-style: chr15-98923997-C-T. GRCh37 (hg19) VCF-style: chr15-99467226-C-T.
Other names: c.2607C>T (NM_000875.4); c.2607C>T, p.Tyr869= (NM_001291858.2).
Identifiers: ClinVar variation 3712330 (VCV003712330.3).

ClinVar aggregate classification (germline): Likely benign. Review status: criteria provided, multiple submitters, no conflicts (2 of 4 stars). 2 submissions from 2 submitters: Likely benign (2). Last evaluated 2026-07-21.

Conditions:
IGF1R-related disorder. Also called: IGF1R-related condition.

gnomAD v4.1: 114 of 1,613,896 alleles (0.0071%); highest among the groups gnomAD compares: Admixed American, 0.048%; 1 homozygote.

Submissions (2):

PreventionGenetics, part of Exact Sciences
Classification: Likely benign for IGF1R-related condition. Last evaluated: 2026-07-21. Review status: criteria provided, single submitter. Criteria: ACMG Guidelines, 2015. Collection method: clinical testing. Allele origin: germline.
Comment: This variant is classified as likely benign based on ACMG/AMP sequence variant interpretation guidelines (Richards et al. 2015 PMID: 25741868, with internal and published modifications).

Labcorp Genetics (formerly Invitae), Labcorp
Classification: Likely benign. Last evaluated: 2024-10-17. Review status: criteria provided, single submitter. Criteria: Invitae Variant Classification Sherloc (09022015). Collection method: clinical testing. Allele origin: germline.